The following is an entry in ClinVar:

NM_000077.5(CDKN2A):c.232C>T (p.Leu78Phe)

Gene: CDKN2A (cyclin dependent kinase inhibitor 2A; minus strand). Cytogenetic location: 9p21.3.
Variant type: single nucleotide variant.
Coding change: c.232C>T on transcript NM_000077.5; coding-DNA position 232, C replaced by T.
Protein change: p.Leu78Phe; replaces leucine 78 with phenylalanine.
Molecular consequence: missense variant (on NM_000077.6). On other transcripts: 3 prime UTR variant (1).
Genome position (GRCh38, 1-based): chr9:21,971,127, G>A on the plus strand (C>T on the coding strand, the complement: CDKN2A is on the minus strand). VCF-style: chr9-21971127-G-A. GRCh37 (hg19) VCF-style: chr9-21971126-G-A.
Other names: c.232C>T, p.Leu78Phe (NM_000077.6, NM_001195132.2); c.79C>T, p.Leu27Phe (NM_001363763.2); c.275C>T, p.Ser92Phe (NM_058195.4); c.*155C>T (NM_058197.5); short protein forms L78F, S92F, L27F.
Identifiers: ClinVar variation 630762 (VCV000630762.11), dbSNP rs1563889606, ClinGen allele CA373086270.

ClinVar aggregate classification (germline): Uncertain significance. Review status: criteria provided, multiple submitters, no conflicts (2 of 4 stars). 2 submissions from 2 submitters: Uncertain significance (2). Last evaluated 2025-12-16.

Conditions:
Familial melanoma. Also called: Hereditary melanoma; Hereditary cutaneous melanoma. Identifiers: Orphanet 618, MedGen C1512419, MONDO:0018961.
Hereditary cancer-predisposing syndrome. Also called: Tumor predisposition; Neoplastic Syndromes, Hereditary; Hereditary Cancer Syndrome; Hereditary neoplastic syndrome. Identifiers: Orphanet 140162, MedGen C0027672, MeSH D009386, MONDO:0015356.

Allele frequency attached by ClinVar (database versions not stated): gnomAD exomes below 0.00001.
gnomAD v4.1: 2 of 1,597,970 alleles (0.00013%); highest among the groups gnomAD compares: South Asian, 0.0022%; no homozygotes.

Submissions (2):

Color Diagnostics, LLC DBA Color Health
Classification: Uncertain significance for Hereditary cancer-predisposing syndrome. Last evaluated: 2025-12-16. Review status: criteria provided, single submitter. Criteria: ACMG Guidelines, 2015. Collection method: clinical testing. Allele origin: germline.
Comment: This missense variant replaces leucine with phenylalanine at codon 78 of the CDKN2A (p16INK4A) protein. Computational prediction suggests that this variant may not impact protein structure and function. To our knowledge, functional studies have not been reported for this variant. This variant has not been reported in individuals affected with CDKN2A-related disorders in the literature. This variant has been identified in 2/1597970 chromosomes in the general population by the Genome Aggregation Database (gnomAD). The available evidence is insufficient to determine the role of this variant in disease conclusively. Therefore, this variant is classified as a Variant of Uncertain Significance.

Labcorp Genetics (formerly Invitae), Labcorp
Classification: Uncertain significance for Familial melanoma. Last evaluated: 2025-02-03. Review status: criteria provided, single submitter. Criteria: Invitae Variant Classification Sherloc (09022015). Collection method: clinical testing. Allele origin: germline.
Comment: The CDKN2A gene encodes two different proteins, p16INK4a and p14ARF, which are translated from alternative transcripts with different open reading frames. Both transcripts have been analyzed. We report either the variant with the higher classification or default to the CDKN2A (p16INK4a) variant. This report therefore includes the details for the CDKN2A (p16INK4a) variant. This sequence change replaces leucine, which is neutral and non-polar, with phenylalanine, which is neutral and non-polar, at codon 78 of the CDKN2A (p16INK4a) protein (p.Leu78Phe). This variant is not present in population databases (gnomAD no frequency). This variant has not been reported in the literature in individuals affected with CDKN2A (p16INK4a)-related conditions. This variant is also known as c.275C>T (p.Ser92Phe) in the CDKN2A (p14ARF) transcript. ClinVar contains an entry for this variant (Variation ID: 630762). An algorithm developed to predict the effect of missense changes on protein structure and function (PolyPhen-2) suggests that this variant is likely to be tolerated. In summary, the available evidence is currently insufficient to determine the role of this variant in disease. Therefore, it has been classified as a Variant of Uncertain Significance.